The following is an entry in ClinVar:

ClinVar aggregate classification (germline): Uncertain significance (1 of 4 stars; one submission).

gnomAD v4.1: 1 of 1,588,776 alleles (0.000063%); highest among the groups gnomAD compares: Non-Finnish European, 0.000086%; no homozygotes.

Submission:

Labcorp Genetics (formerly Invitae), Labcorp
Classification: Uncertain significance. Last evaluated: 2026-01-07. Review status: criteria provided, single submitter. Criteria: Invitae Variant Classification Sherloc (09022015). Collection method: clinical testing. Allele origin: germline.
Comment: This sequence change replaces proline, which is neutral and non-polar, with arginine, which is basic and polar, at codon 14 of the ERCC6L2 protein (p.Pro14Arg). This variant is not present in population databases (gnomAD no frequency). This variant has not been reported in the literature in individuals affected with ERCC6L2-related conditions. Experimental studies and prediction algorithms are not available or were not evaluated, and the functional significance of this variant is currently unknown. In summary, the available evidence is currently insufficient to determine the role of this variant in disease. Therefore, it has been classified as a Variant of Uncertain Significance.

NM_020207.7(ERCC6L2):c.8C>G (p.Pro3Arg)

Gene: ERCC6L2 (ERCC excision repair 6 like 2; plus strand). Cytogenetic location: 9q22.32.
Variant type: single nucleotide variant.
Coding change: c.8C>G on transcript NM_020207.7 (MANE Select); coding-DNA position 8, C replaced by G.
Protein change: p.Pro3Arg; replaces proline 3 with arginine.
Molecular consequence: missense variant. On other transcripts: non-coding transcript variant (1).
Genome position (GRCh38, 1-based): chr9:95,876,046, C>G. VCF-style: chr9-95876046-C-G. GRCh37 (hg19) VCF-style: chr9-98638328-C-G.
Other names: c.8C>G, p.Pro3Arg (NM_001010895.4, NM_001375291.1, NM_001375292.1 and 2 more transcripts); short protein forms P3R.
Identifiers: ClinVar variation 4711495 (VCV004711495.1).